The following is an entry in ClinVar:

ClinVar aggregate classification (germline): Likely benign (0 of 4 stars; one submission).

Conditions:
AIFM1-related disorder. Also called: AIFM1-related condition.

Allele frequency attached by ClinVar (database versions not stated): gnomAD 0.00019; TOPMed 0.00021; 1000 Genomes Project 30x 0.00062; 1000 Genomes Project 0.00079.
gnomAD v4.1: 72 of 586,811 alleles (0.012%); highest among the groups gnomAD compares: African/African-American, 0.091%; no homozygotes.

Submission:

PreventionGenetics, part of Exact Sciences
Classification: Likely benign for AIFM1-related condition. Last evaluated: 2022-07-06. Review status: no assertion criteria provided. Collection method: clinical testing. Allele origin: germline.
Comment: This variant is classified as likely benign based on ACMG/AMP sequence variant interpretation guidelines (Richards et al. 2015 PMID: 25741868, with internal and published modifications).

NM_004208.4(AIFM1):c.-133G>A

Genes: AIFM1 (apoptosis inducing factor mitochondria associated 1; minus strand), RAB33A (RAB33A, member RAS oncogene family; plus strand), LOC130068679 (ATAC-STARR-seq lymphoblastoid active region 29939; plus strand). Cytogenetic location: Xq26.1.
Variant type: single nucleotide variant.
Coding change: c.-133G>A on transcript NM_004208.4 (MANE Select); 133 bases upstream of the start codon, G replaced by A.
Molecular consequence: 5 prime UTR variant. On other transcripts: non-coding transcript variant (1).
Genome position (GRCh38, 1-based): chrX:130,165,789, C>T on the plus strand (G>A on the coding strand, the complement: AIFM1 is on the minus strand). VCF-style: chrX-130165789-C-T. GRCh37 (hg19) VCF-style: chrX-129299763-C-T.
Other names: c.-133G>A (NM_001130847.4, NM_145812.3).
Identifiers: ClinVar variation 3029922 (VCV003029922.2), dbSNP rs112383408, ClinGen allele CA335110114.
Genomic context (GRCh38, chrX:130,165,789, plus strand): 5'-GCCCCGGCCAGCTCCCCCAGTCTCTTCACACGCACATTACGCAGACTCCTCCTCCCAGCT[C>T]CGGGTGGGCATTGGACAGAGAAGCCGGCCTGCTAGAGCCGGGGAAGGGGAACGGCGACCG-3'